The following is an entry in ClinVar:

NM_002485.5(NBN):c.1477A>G (p.Thr493Ala)

Gene: NBN (nibrin; minus strand). Cytogenetic location: 8q21.3.
Variant type: single nucleotide variant.
Coding change: c.1477A>G on transcript NM_002485.5 (MANE Select); coding-DNA position 1477, A replaced by G.
Protein change: p.Thr493Ala; replaces threonine 493 with alanine.
Molecular consequence: missense variant.
Genome position (GRCh38, 1-based): chr8:89,953,612, T>C on the plus strand (A>G on the coding strand, the complement: NBN is on the minus strand). VCF-style: chr8-89953612-T-C. GRCh37 (hg19) VCF-style: chr8-90965840-T-C.
Other names: c.1231A>G, p.Thr411Ala (NM_001024688.3); short protein forms T411A, T493A.
Identifiers: ClinVar variation 855401 (VCV000855401.9), dbSNP rs1810557417, ClinGen allele CA371655773.

ClinVar aggregate classification (germline): Uncertain significance (1 of 4 stars; one submission).

Conditions:
Microcephaly, normal intelligence and immunodeficiency (NBS). Also called: SEEMANOVA SYNDROME II; IMMUNODEFICIENCY, MICROCEPHALY, AND CHROMOSOMAL INSTABILITY; Immunodeficiency, microcephaly with normal intelligence; BERLIN BREAKAGE SYNDROME; Nijmegen breakage syndrome; Microcephaly with normal intelligence immunodeficiency and lymphoreticular malignancies. Identifiers: Orphanet 647, MedGen C0398791, MONDO:0009623, OMIM 251260.

Submission:

Labcorp Genetics (formerly Invitae), Labcorp
Classification: Uncertain significance for Microcephaly, normal intelligence and immunodeficiency. Last evaluated: 2022-09-01. Review status: criteria provided, single submitter. Criteria: Invitae Variant Classification Sherloc (09022015). Collection method: clinical testing. Allele origin: germline.
Comment: This variant is not present in population databases (gnomAD no frequency). In summary, the available evidence is currently insufficient to determine the role of this variant in disease. Therefore, it has been classified as a Variant of Uncertain Significance. Algorithms developed to predict the effect of missense changes on protein structure and function are either unavailable or do not agree on the potential impact of this missense change (SIFT: "Tolerated"; PolyPhen-2: "Possibly Damaging"; Align-GVGD: "Class C0"). ClinVar contains an entry for this variant (Variation ID: 855401). This variant has not been reported in the literature in individuals affected with NBN-related conditions. This sequence change replaces threonine, which is neutral and polar, with alanine, which is neutral and non-polar, at codon 493 of the NBN protein (p.Thr493Ala).